The following is an entry in ClinVar:

NM_006031.6(PCNT):c.8752-4A>T

Gene: PCNT (pericentrin; plus strand). Cytogenetic location: 21q22.3.
Variant type: single nucleotide variant.
Coding change: c.8752-4A>T on transcript NM_006031.6 (MANE Select); 4 bases into the intron before coding-DNA position 8752, A replaced by T.
Molecular consequence: intron variant.
Genome position (GRCh38, 1-based): chr21:46,435,900, A>T. VCF-style: chr21-46435900-A-T. GRCh37 (hg19) VCF-style: chr21-47855813-A-T.
Other names: c.8161-4A>T (NM_001315529.2); c.8752-4A>T (NM_006031.5).
Identifiers: ClinVar variation 2802684 (VCV002802684.4), dbSNP rs1223979286, ClinGen allele CA638499650.

ClinVar aggregate classification (germline): Likely benign. Review status: criteria provided, multiple submitters, no conflicts (2 of 4 stars). 2 submissions from 2 submitters: Likely benign (2). Last evaluated 2025-09-10.

Conditions:
PCNT-related disorder. Also called: PCNT-related condition.

Allele frequency attached by ClinVar (database versions not stated): gnomAD exomes below 0.00001; TOPMed below 0.00001.
gnomAD v4.1: 1 of 1,614,130 alleles (0.000062%); highest among the groups gnomAD compares: Admixed American, 0.0017%; no homozygotes.

Submissions (2):

PreventionGenetics, part of Exact Sciences
Classification: Likely benign for PCNT-related condition. Last evaluated: 2025-09-10. Review status: criteria provided, single submitter. Criteria: ACMG Guidelines, 2015. Collection method: clinical testing. Allele origin: germline.
Comment: This variant is classified as likely benign based on ACMG/AMP sequence variant interpretation guidelines (Richards et al. 2015 PMID: 25741868, with internal and published modifications).

Labcorp Genetics (formerly Invitae), Labcorp
Classification: Likely benign. Last evaluated: 2023-09-15. Review status: criteria provided, single submitter. Criteria: Invitae Variant Classification Sherloc (09022015). Collection method: clinical testing. Allele origin: germline.